The following is an entry in ClinVar:

NM_001267550.2(TTN):c.106940A>G (p.Asn35647Ser)

Genes: TTN (titin; minus strand), TTN-AS1 (TTN antisense RNA 1; plus strand). Cytogenetic location: 2q31.2.
Variant type: single nucleotide variant.
Coding change: c.106940A>G on transcript NM_001267550.2 (MANE Select); coding-DNA position 106940, A replaced by G.
Protein change: p.Asn35647Ser; replaces asparagine 35647 with serine.
Molecular consequence: missense variant.
Genome position (GRCh38, 1-based): chr2:178,528,811, T>C on the plus strand (A>G on the coding strand, the complement: TTN is on the minus strand). VCF-style: chr2-178528811-T-C. GRCh37 (hg19) VCF-style: chr2-179393538-T-C.
Other names: c.102017A>G, p.Asn34006Ser (NM_001256850.1); c.79745A>G, p.Asn26582Ser (NM_003319.4); c.99236A>G, p.Asn33079Ser (NM_133378.4); c.80120A>G, p.Asn26707Ser (NM_133432.3); c.80321A>G, p.Asn26774Ser (NM_133437.4); short protein forms N26582S, N26707S, N26774S, N33079S, N34006S, N35647S.
Identifiers: ClinVar variation 3750297 (VCV003750297.2).
Genomic context (GRCh38, chr2:178,528,811, plus strand): 5'-GCTTGCTTGATGGTTAGGGTCTGATCGCTGCCTGAGACACCATATCGGTACTCCTCAGAG[T>C]TGGTAAGCTCTACGCCATTCAGTACCCATTTCACATCAGTGGCACCAGCAATGTTGGCTT-3'
Protein context (NP_001254479.2, residues 35637-35657): KWVLNGVELT[Asn35647Ser]SEEYRYGVSG

ClinVar aggregate classification (germline): Uncertain significance (1 of 4 stars; one submission).

Conditions:
Autosomal recessive limb-girdle muscular dystrophy type 2J (LGMDR10). Also called: Limb-girdle muscular dystrophy, type 2J; MUSCULAR DYSTROPHY, LIMB-GIRDLE, AUTOSOMAL RECESSIVE 10. Identifiers: Orphanet 140922, MedGen C1837342, MONDO:0012127, OMIM 608807.
Dilated cardiomyopathy 1G (CMD1G). Identifiers: Orphanet 154, MedGen C1858763, MONDO:0011400, OMIM 604145.

gnomAD v4.1: 3 of 1,613,730 alleles (0.00019%); highest among the groups gnomAD compares: Non-Finnish European, 0.00025%; no homozygotes.

Submission:

Labcorp Genetics (formerly Invitae), Labcorp
Classification: Uncertain significance for Dilated cardiomyopathy 1G; Autosomal recessive limb-girdle muscular dystrophy type 2J. Last evaluated: 2024-02-13. Review status: criteria provided, single submitter. Criteria: Invitae Variant Classification Sherloc (09022015). Collection method: clinical testing. Allele origin: germline.
Comment: This sequence change replaces asparagine, which is neutral and polar, with serine, which is neutral and polar, at codon 35647 of the TTN protein (p.Asn35647Ser). This variant is not present in population databases (gnomAD no frequency). This variant has not been reported in the literature in individuals affected with TTN-related conditions. Experimental studies and prediction algorithms are not available or were not evaluated, and the functional significance of this variant is currently unknown. In summary, the available evidence is currently insufficient to determine the role of this variant in disease. Therefore, it has been classified as a Variant of Uncertain Significance.